The following is an entry in ClinVar:

ClinVar aggregate classification (germline): Uncertain significance (1 of 4 stars; one submission).

Conditions:
Nemaline myopathy 2 (NEM2). Also called: Nemaline myopathy 2, autosomal recessive. Identifiers: MedGen C1850569, MONDO:0009725, OMIM 256030.

gnomAD v4.1: 2 of 1,613,184 alleles (0.00012%); highest among the groups gnomAD compares: South Asian, 0.0022%; no homozygotes.

Submission:

Labcorp Genetics (formerly Invitae), Labcorp
Classification: Uncertain significance for Nemaline myopathy 2. Last evaluated: 2021-12-11. Review status: criteria provided, single submitter. Criteria: Invitae Variant Classification Sherloc (09022015). Collection method: clinical testing. Allele origin: germline.
Comment: This sequence change replaces proline, which is neutral and non-polar, with leucine, which is neutral and non-polar, at codon 7649 of the NEB protein (p.Pro7649Leu). This variant is not present in population databases (gnomAD no frequency). This variant has not been reported in the literature in individuals affected with NEB-related conditions. Algorithms developed to predict the effect of missense changes on protein structure and function are either unavailable or do not agree on the potential impact of this missense change (SIFT: "Deleterious"; PolyPhen-2: "Not Available"; Align-GVGD: "Class C0"). In summary, the available evidence is currently insufficient to determine the role of this variant in disease. Therefore, it has been classified as a Variant of Uncertain Significance.

NM_001164508.2(NEB):c.22841C>T (p.Pro7614Leu)

Genes: NEB (nebulin; minus strand), RIF1 (replication timing regulatory factor 1; plus strand). Cytogenetic location: 2q23.3.
Variant type: single nucleotide variant.
Coding change: c.22841C>T on transcript NM_001164508.2 (MANE Select); coding-DNA position 22841, C replaced by T.
Protein change: p.Pro7614Leu; replaces proline 7614 with leucine.
Molecular consequence: missense variant.
Genome position (GRCh38, 1-based): chr2:151,516,523, G>A on the plus strand (C>T on the coding strand, the complement: NEB is on the minus strand). VCF-style: chr2-151516523-G-A. GRCh37 (hg19) VCF-style: chr2-152373037-G-A.
Other names: c.22841C>T, p.Pro7614Leu (NM_001164507.2); c.22946C>T, p.Pro7649Leu (NM_001271208.2); c.17738C>T, p.Pro5913Leu (NM_004543.5); short protein forms P7614L, P5913L, P7649L.
Identifiers: ClinVar variation 1364486 (VCV001364486.3), dbSNP rs1182955893, ClinGen allele CA348756197.